The following is an entry in ClinVar:

NM_004329.3(BMPR1A):c.1048T>C (p.Tyr350His)

Gene: BMPR1A (bone morphogenetic protein receptor type 1A; plus strand). Cytogenetic location: 10q23.2.
Variant type: single nucleotide variant.
Coding change: c.1048T>C on transcript NM_004329.3 (MANE Select); coding-DNA position 1048, T replaced by C.
Protein change: p.Tyr350His; replaces tyrosine 350 with histidine.
Molecular consequence: missense variant.
Genome position (GRCh38, 1-based): chr10:86,919,351, T>C. VCF-style: chr10-86919351-T-C. GRCh37 (hg19) VCF-style: chr10-88679108-T-C.
Other names: short protein forms Y350H.
Identifiers: ClinVar variation 485368 (VCV000485368.26), dbSNP rs749571434, ClinGen allele CA5585645.
Genomic context (GRCh38, chr10:86,919,351, plus strand): 5'-GCCCTGCTTAAATTGGCTTATTCAGCTGCCTGTGGTCTGTGCCACCTGCACACAGAAATT[T>C]ATGGCACCCAAGGAAAGCCCGCAATTGCTCATCGAGACCTAAAGAGCAAAAACATCCTCA-3'
Protein context (NP_004320.2, residues 340-360): CGLCHLHTEI[Tyr350His]GTQGKPAIAH

ClinVar aggregate classification (germline): Conflicting classifications of pathogenicity. Review status: criteria provided, conflicting classifications (1 of 4 stars). 7 submissions from 7 submitters: Uncertain significance (6); Benign (1). Last evaluated 2026-01-13.

Conditions:
Juvenile polyposis syndrome (JPS). Identifiers: Orphanet 2929, MedGen C0345893, MONDO:0017380, OMIM 174900.
Hereditary cancer-predisposing syndrome. Also called: Hereditary neoplastic syndrome; Neoplastic Syndromes, Hereditary; Tumor predisposition; Hereditary Cancer Syndrome. Identifiers: Orphanet 140162, MedGen C0027672, MeSH D009386, MONDO:0015356.
Polyposis syndrome, hereditary mixed, 2. Identifiers: Orphanet 157794, MedGen C1864730, MONDO:0012405, OMIM 610069.

Allele frequency attached by ClinVar (database versions not stated): ExAC 0.00002; gnomAD exomes 0.00002.

Submissions (7):

Labcorp Genetics (formerly Invitae), Labcorp
Classification: Uncertain significance for Juvenile polyposis syndrome. Last evaluated: 2026-01-13. Review status: criteria provided, single submitter. Criteria: Invitae Variant Classification Sherloc (09022015). Collection method: clinical testing. Allele origin: germline.
Comment: This sequence change replaces tyrosine, which is neutral and polar, with histidine, which is basic and polar, at codon 350 of the BMPR1A protein (p.Tyr350His). This variant is present in population databases (rs749571434, gnomAD 0.02%). This variant has not been reported in the literature in individuals affected with BMPR1A-related conditions. ClinVar contains an entry for this variant (Variation ID: 485368). Invitae Evidence Modeling of protein sequence and biophysical properties (such as structural, functional, and spatial information, amino acid conservation, physicochemical variation, residue mobility, and thermodynamic stability) has been performed for this missense variant. However, the output from this modeling did not meet the statistical confidence thresholds required to predict the impact of this variant on BMPR1A protein function. In summary, the available evidence is currently insufficient to determine the role of this variant in disease. Therefore, it has been classified as a Variant of Uncertain Significance.

Quest Diagnostics Nichols Institute San Juan Capistrano
Classification: Uncertain significance. Last evaluated: 2025-03-03. Review status: criteria provided, single submitter. Criteria: Quest Diagnostics criteria. Collection method: clinical testing. Allele origin: unknown.
Comment: The BMPR1A c.1048T>C (p.Tyr350His) variant has not been reported in individuals with BMPR1A-related conditions in the published literature. The frequency of this variant in the general population (Genome Aggregation Database) is higher than would generally be expected for pathogenic variants in this gene. Analysis of this variant using bioinformatics tools for the prediction of the effect of amino acid changes on protein structure and function yielded predictions that this variant is damaging. Based on the available information, we are unable to determine the clinical significance of this variant.

All of Us Research Program, National Institutes of Health
Classification: Uncertain significance for Juvenile polyposis syndrome. Last evaluated: 2023-12-13. Review status: criteria provided, single submitter. Criteria: ACMG Guidelines, 2015. Collection method: clinical testing. Allele origin: germline. Inheritance: Autosomal dominant inheritance. Observed: 2 variant alleles, 2 heterozygotes.
Comment: This missense variant replaces tyrosine with histidine at codon 350 of the BMPR1A protein. Computational prediction is inconclusive regarding the impact of this variant on protein structure and function (internally defined REVEL score threshold 0.5 < inconclusive < 0.7, PMID: 27666373). To our knowledge, functional studies have not been reported for this variant. This variant has not been reported in individuals affected with BMPR1A-related disorders in the literature. This variant has been identified in 5/251008 chromosomes in the general population by the Genome Aggregation Database (gnomAD). The available evidence is insufficient to determine the role of this variant in disease conclusively. Therefore, this variant is classified as a Variant of Uncertain Significance.

This study involves interpretation of variants in research participants for the purpose of population health screening. Participant phenotype was not available at the time of variant classification. Additional details can be found in publication PMID: 35346344, PMCID: PMC8962531

Color Diagnostics, LLC DBA Color Health
Classification: Uncertain significance for Hereditary cancer-predisposing syndrome. Last evaluated: 2023-11-15. Review status: criteria provided, single submitter. Criteria: ACMG Guidelines, 2015. Collection method: clinical testing. Allele origin: germline.
Comment: This missense variant replaces tyrosine with histidine at codon 350 of the BMPR1A protein. Computational prediction is inconclusive regarding the impact of this variant on protein structure and function (internally defined REVEL score threshold 0.5 < inconclusive < 0.7, PMID: 27666373). To our knowledge, functional studies have not been reported for this variant. This variant has not been reported in individuals affected with BMPR1A-related disorders in the literature. This variant has been identified in 5/251008 chromosomes in the general population by the Genome Aggregation Database (gnomAD). The available evidence is insufficient to determine the role of this variant in disease conclusively. Therefore, this variant is classified as a Variant of Uncertain Significance.

Ambry Genetics
Classification: Benign for Hereditary cancer-predisposing syndrome. Last evaluated: 2022-02-01. Review status: criteria provided, single submitter. Criteria: Ambry Variant Classification Scheme 2023. Collection method: clinical testing. Allele origin: germline.

Baylor Genetics
Classification: Uncertain significance for Polyposis syndrome, hereditary mixed, 2. Last evaluated: 2021-06-29. Review status: criteria provided, single submitter. Criteria: ACMG Guidelines, 2015. Collection method: clinical testing. Allele origin: paternal. Affected: yes. Study: CSER-TexasKidsCanSeq.
Comment: This variant was determined to be of uncertain significance according to ACMG Guidelines, 2015 [PMID:25741868].

GeneDx
Classification: Uncertain significance. Last evaluated: 2020-12-21. Review status: criteria provided, single submitter. Criteria: GeneDx Variant Classification Process June 2021. Collection method: clinical testing. Allele origin: germline. Affected: yes.
Comment: Not observed at a significant frequency in large population cohorts (Lek et al., 2016); In silico analysis supports that this missense variant has a deleterious effect on protein structure/function; Has not been previously published as pathogenic or benign to our knowledge